The following is an entry in ClinVar:

ClinVar aggregate classification (germline): Uncertain significance (1 of 4 stars; one submission).

Conditions:
FG syndrome (FGS). Identifiers: MedGen C0220769, MONDO:0002010.

Allele frequency attached by ClinVar (database versions not stated): gnomAD exomes below 0.00001.

Submission:

Labcorp Genetics (formerly Invitae), Labcorp
Classification: Uncertain significance for FG syndrome. Last evaluated: 2022-03-14. Review status: criteria provided, single submitter. Criteria: Invitae Variant Classification Sherloc (09022015). Collection method: clinical testing. Allele origin: germline.
Comment: In summary, the available evidence is currently insufficient to determine the role of this variant in disease. Therefore, it has been classified as a Variant of Uncertain Significance. Advanced modeling of protein sequence and biophysical properties (such as structural, functional, and spatial information, amino acid conservation, physicochemical variation, residue mobility, and thermodynamic stability) performed at Invitae indicates that this missense variant is not expected to disrupt MED12 protein function. This variant has not been reported in the literature in individuals affected with MED12-related conditions. This variant is not present in population databases (gnomAD no frequency). This sequence change replaces valine, which is neutral and non-polar, with isoleucine, which is neutral and non-polar, at codon 755 of the MED12 protein (p.Val755Ile).

NM_005120.3(MED12):c.2263G>A (p.Val755Ile)

Gene: MED12 (mediator complex subunit 12; plus strand). Cytogenetic location: Xq13.1.
Variant type: single nucleotide variant.
Coding change: c.2263G>A on transcript NM_005120.3 (MANE Select); coding-DNA position 2263, G replaced by A.
Protein change: p.Val755Ile; replaces valine 755 with isoleucine.
Molecular consequence: missense variant.
Genome position (GRCh38, 1-based): chrX:71,125,387, G>A. VCF-style: chrX-71125387-G-A. GRCh37 (hg19) VCF-style: chrX-70345237-G-A.
Other names: short protein forms V755I.
Identifiers: ClinVar variation 2112087 (VCV002112087.4), dbSNP rs2519679184, ClinGen allele CA413511837.